The following is an entry in ClinVar:

NM_000256.3(MYBPC3):c.3702_3703del (p.Leu1236fs)

Gene: MYBPC3 (myosin binding protein C3; minus strand). Cytogenetic location: 11p11.2.
Variant type: Deletion.
Coding change: c.3702_3703del on transcript NM_000256.3 (MANE Select); coding-DNA positions 3702 to 3703, 2 bases deleted (AG; older notation c.3702_3703delAG).
Protein change: p.Leu1236fs; shifts the reading frame from leucine 1236.
Molecular consequence: frameshift variant.
Genome position (GRCh38, 1-based): chr11:47,332,183-47,332,184, CT deleted on the plus strand (AG on the coding strand, the reverse complement: MYBPC3 is on the minus strand); deleting any 2 consecutive bases within chr11:47,332,183-47,332,185 gives the same sequence; the c. name uses the placement nearest the transcript's 3' end. VCF-style (leftmost placement, unchanged base first): chr11-47332182-ACT-A. GRCh37 (hg19) VCF-style: chr11-47353733-ACT-A.
Other names: c.3702_3703delAG (NM_000256.3); short protein forms L1236fs.
Identifiers: ClinVar variation 1446713 (VCV001446713.8), dbSNP rs2142849399, ClinGen allele CA2573146357.
Genomic context (GRCh38, chr11:47,332,182, plus strand): 5'-GCCCTGCAGACATAGATGCCCCCGTCAAAGGGGCAGGGCTTTCTAATCTCCAGAGTCAAC[ACT>A]CCCTGCTTGCTGAACATGCGGAAGCGGGCGTCTTCTCCCAGGTCCAGGCCATTCTTGAAC-3'

ClinVar aggregate classification (germline): Pathogenic. Review status: criteria provided, multiple submitters, no conflicts (2 of 4 stars). 2 submissions from 2 submitters: Pathogenic (2). Last evaluated 2022-07-19.

Conditions:
Cardiovascular phenotype. Identifiers: MedGen CN230736.
Hypertrophic cardiomyopathy. Also called: HYPERTROPHIC MYOCARDIOPATHY. Identifiers: Orphanet 217569, MedGen C0007194, MeSH D002312, MONDO:0005045, HP:0001639.

Submissions (2):

Labcorp Genetics (formerly Invitae), Labcorp
Classification: Pathogenic for Hypertrophic cardiomyopathy. Last evaluated: 2022-07-19. Review status: criteria provided, single submitter. Criteria: Invitae Variant Classification Sherloc (09022015). Collection method: clinical testing. Allele origin: germline.
Comment: For these reasons, this variant has been classified as Pathogenic. ClinVar contains an entry for this variant (Variation ID: 1446713). This variant has not been reported in the literature in individuals affected with MYBPC3-related conditions. This variant is not present in population databases (gnomAD no frequency). This sequence change creates a premature translational stop signal (p.Leu1236Aspfs*5) in the MYBPC3 gene. It is expected to result in an absent or disrupted protein product. Loss-of-function variants in MYBPC3 are known to be pathogenic (PMID: 19574547).

Ambry Genetics
Classification: Pathogenic for Cardiovascular phenotype. Last evaluated: 2018-11-30. Review status: criteria provided, single submitter. Criteria: Ambry Variant Classification Scheme 2023. Collection method: clinical testing. Allele origin: germline.
Comment: The c.3702_3703delAG pathogenic mutation, located in coding exon 33 of the MYBPC3 gene, results from a deletion of two nucleotides at nucleotide positions 3702 to 3703, causing a translational frameshift with a predicted alternate stop codon (p.L1236Dfs*5). This alteration is expected to result in loss of function by premature protein truncation or nonsense-mediated mRNA decay. As such, this alteration is interpreted as a disease-causing mutation.

Literature cited by the submitters: PubMed 19574547 (cited by Labcorp Genetics (formerly Invitae), Labcorp).